The following is an entry in ClinVar:

ClinVar aggregate classification (germline): Likely benign. Review status: criteria provided, multiple submitters, no conflicts (2 of 4 stars). 3 submissions from 3 submitters: Likely benign (3). Last evaluated 2025-12-15.

Conditions:
Familial cancer of breast. Also called: Hereditary breast cancer; BREAST CANCER, FAMILIAL; hereditary breast carcinoma. Identifiers: Orphanet 227535, MedGen C0346153, MONDO:0016419, OMIM 114480. Disease mechanism: loss of function.
Ataxia-telangiectasia syndrome (AT). Also called: Ataxia-telangiectasia, complementation group D; AT, COMPLEMENTATION GROUP C; ATAXIA-TELANGIECTASIA, COMPLEMENTATION GROUP A; ATAXIA-TELANGIECTASIA, FRESNO VARIANT; Ataxia-telangiectasia; LOUIS-BAR SYNDROME. Identifiers: Orphanet 100, MedGen C0004135, MONDO:0008840, OMIM 208900.
Hereditary cancer-predisposing syndrome. Also called: Tumor predisposition; Hereditary neoplastic syndrome; Neoplastic Syndromes, Hereditary; Hereditary Cancer Syndrome. Identifiers: Orphanet 140162, MedGen C0027672, MeSH D009386, MONDO:0015356.

Allele frequency attached by ClinVar (database versions not stated): TOPMed below 0.00001; gnomAD exomes below 0.00001.
gnomAD v4.1: 1 of 1,576,348 alleles (0.000063%); highest among the groups gnomAD compares: Non-Finnish European, 0.000087%; no homozygotes.

Submissions (3):

Labcorp Genetics (formerly Invitae), Labcorp
Classification: Likely benign for Ataxia-telangiectasia syndrome. Last evaluated: 2025-12-15. Review status: criteria provided, single submitter. Criteria: Invitae Variant Classification Sherloc (09022015). Collection method: clinical testing. Allele origin: germline.

Myriad Genetics, Inc.
Classification: Likely benign for Familial cancer of breast. Last evaluated: 2024-06-10. Review status: criteria provided, single submitter. Criteria: Myriad Autosomal Dominant, Autosomal Recessive and X-Linked Classification Criteria (2023). Collection method: clinical testing. Allele origin: unknown.
Comment: This variant is considered likely benign. This variant is intronic and is not expected to impact mRNA splicing.

Color Diagnostics, LLC DBA Color Health
Classification: Likely benign for Hereditary cancer-predisposing syndrome. Last evaluated: 2018-10-17. Review status: criteria provided, single submitter. Criteria: ACMG Guidelines, 2015. Collection method: clinical testing. Allele origin: germline.

NM_000051.4(ATM):c.6807+8C>A

Genes: ATM (ATM serine/threonine kinase; plus strand), C11orf65 (chromosome 11 open reading frame 65; minus strand). Cytogenetic location: 11q22.3.
Variant type: single nucleotide variant.
Coding change: c.6807+8C>A on transcript NM_000051.4 (MANE Select); 8 bases into the intron after coding-DNA position 6807, C replaced by A.
Molecular consequence: intron variant.
Genome position (GRCh38, 1-based): chr11:108,325,552, C>A. VCF-style: chr11-108325552-C-A. GRCh37 (hg19) VCF-style: chr11-108196279-C-A.
Other names: c.6807+8C>A (NM_001351834.2); c.641-16481G>T (NM_001330368.2); c.*38+9668G>T (NM_001351110.2).
Identifiers: ClinVar variation 629681 (VCV000629681.50), dbSNP rs1565519254, ClinGen allele CA913188440.